The following is an entry in ClinVar:

ClinVar aggregate classification (germline): Benign (1 of 4 stars; one submission).

Conditions:
Colorectal cancer, susceptibility to, 1. Also called: COLORECTAL ADENOMA AND CANCER, SUSCEPTIBILITY TO; COLORECTAL CANCER, SUSCEPTIBILITY TO, ON CHROMOSOME 9. Identifiers: MedGen C1837315, MONDO:0012132, OMIM 608812.

Submission:

Myriad Genetics, Inc.
Classification: Benign for Colorectal cancer, susceptibility to, 1. Last evaluated: 2026-09-11. Review status: criteria provided, single submitter. Criteria: Myriad Autosomal Dominant, Autosomal Recessive and X-Linked Classification Criteria (2023). Collection method: clinical testing. Allele origin: unknown.
Comment: This variant is considered benign. This variant is a silent/synonymous amino acid change and it is not expected to impact splicing.

NM_024642.5(GALNT12):c.1413A>T (p.Gly471=)

Gene: GALNT12 (polypeptide N-acetylgalactosaminyltransferase 12; plus strand). Cytogenetic location: 9q22.33.
Variant type: single nucleotide variant.
Coding change: c.1413A>T on transcript NM_024642.5 (MANE Select); coding-DNA position 1413, A replaced by T.
Protein change: p.Gly471=; no amino-acid change (glycine 471 retained).
Molecular consequence: synonymous variant.
Genome position (GRCh38, 1-based): chr9:98,844,164, A>T. VCF-style: chr9-98844164-A-T. GRCh37 (hg19) VCF-style: chr9-101606446-A-T.
Identifiers: ClinVar variation 5042187 (VCV005042187.1).